The following is an entry in ClinVar:

ClinVar aggregate classification (germline): Likely benign. Review status: criteria provided, multiple submitters, no conflicts (2 of 4 stars). 4 submissions from 4 submitters: Likely benign (3). 1 of the submissions does not count toward it. Last evaluated 2026-08-01.

Conditions:
KMT2A-related disorder. Also called: KMT2A-related condition.
Inborn genetic diseases. Identifiers: MedGen C0950123, MeSH D030342.

Allele frequency attached by ClinVar (database versions not stated): ExAC 0.00002; gnomAD exomes 0.00002 and 0.00003; 1000 Genomes Project 30x 0.00016; 1000 Genomes Project 0.00020; gnomAD 0.00024 and 0.00027; TOPMed 0.00030.
gnomAD v4.1: 70 of 1,613,642 alleles (0.0043%); highest among the groups gnomAD compares: African/African-American, 0.087%; no homozygotes.

Submissions (5):

CeGaT Center for Human Genetics Tuebingen
Classification: Likely benign. Last evaluated: 2026-08-01. Review status: criteria provided, single submitter. Criteria: CeGaT Center For Human Genetics Tuebingen Variant Classification Criteria Version 2. Collection method: clinical testing. Allele origin: germline. Affected: yes. Observed: 1 variant allele.
Comment: KMT2A: BP4

Labcorp Genetics (formerly Invitae), Labcorp
Classification: Likely benign. Last evaluated: 2025-11-09. Review status: criteria provided, single submitter. Criteria: Invitae Variant Classification Sherloc (09022015). Collection method: clinical testing. Allele origin: germline.

Ambry Genetics
Classification: Likely benign for Inborn genetic diseases. Last evaluated: 2023-02-23. Review status: criteria provided, single submitter. Criteria: Ambry Variant Classification Scheme 2023. Collection method: clinical testing. Allele origin: germline.

PreventionGenetics, part of Exact Sciences
Classification: Likely benign for KMT2A-related condition. Last evaluated: 2024-08-20. Review status: no assertion criteria provided. Collection method: clinical testing. Allele origin: germline. Not counted in ClinVar's aggregate classification.
Comment: This variant is classified as likely benign based on ACMG/AMP sequence variant interpretation guidelines (Richards et al. 2015 PMID: 25741868, with internal and published modifications).

Dr. Peter K. Rogan Lab, Western University
No classification provided (evidence only). Condition: Cholangiocarcinoma. Review status: no classification provided. Collection method: in vitro. Allele origin: not applicable. Functional consequence: retained intron. Not counted in ClinVar's aggregate classification.

NM_001197104.2(KMT2A):c.7228A>G (p.Met2410Val)

Gene: KMT2A (lysine methyltransferase 2A; plus strand). Cytogenetic location: 11q23.3.
Variant type: single nucleotide variant.
Coding change: c.7228A>G on transcript NM_001197104.2 (MANE Select); coding-DNA position 7228, A replaced by G.
Protein change: p.Met2410Val; replaces methionine 2410 with valine.
Molecular consequence: missense variant.
Genome position (GRCh38, 1-based): chr11:118,503,120, A>G. VCF-style: chr11-118503120-A-G. GRCh37 (hg19) VCF-style: chr11-118373835-A-G.
Other names: c.7228A>G (NM_001197104.1); c.7219A>G, p.Met2407Val (NM_005933.4); short protein forms M2407V, M2410V.
Identifiers: ClinVar variation 1597100 (VCV001597100.13), dbSNP rs543733077, ClinGen allele CA6304376.
Genomic context (GRCh38, chr11:118,503,120, plus strand): 5'-CAATCAGCAAACTCCTCTCCAGATGAAGATACTGAAGTCAAAACCTTGAAGCTATCTGGA[A>G]TGAGCAACAGATCATCCATTATCAACGAACATATGGGATCTAGTTCCAGAGATAGGAGAC-3'
Protein context (NP_001184033.1, residues 2400-2420): TEVKTLKLSG[Met2410Val]SNRSSIINEH